The following is an entry in ClinVar:

ClinVar aggregate classification (germline): Uncertain significance. Review status: criteria provided, multiple submitters, no conflicts (2 of 4 stars). 2 submissions from 2 submitters: Uncertain significance (2). Last evaluated 2026-06-11.

Allele frequency attached by ClinVar (database versions not stated): ESP Exome Variant Server 0.00008; TOPMed 0.00001; gnomAD exomes below 0.00001; gnomAD 0.00002.
gnomAD v4.1: 4 of 1,614,056 alleles (0.00025%); highest among the groups gnomAD compares: African/African-American, 0.004%; no homozygotes.

Submissions (2):

Women's Health and Genetics/Laboratory Corporation of America, LabCorp
Classification: Uncertain significance. Last evaluated: 2026-06-11. Review status: criteria provided, single submitter. Criteria: LabCorp Variant Classification Summary - May 2015. Collection method: clinical testing. Allele origin: germline.
Comment: Variant summary: HK1 c.958T>C (p.Phe320Leu) results in a non-conservative amino acid change in the encoded protein sequence. Algorithms developed to predict the effect of missense changes on protein structure and function all suggest that this variant is likely to be disruptive. The variant was absent in 251492 control chromosomes. The available data on variant occurrences in the general population are insufficient to allow any conclusion about variant significance. To our knowledge, no occurrence of c.958T>C in individuals affected with HK1-related conditions and no experimental evidence demonstrating its impact on protein function have been reported. ClinVar contains an entry for this variant (Variation ID: 1511293). Based on the evidence outlined above, the variant was classified as uncertain significance.

Labcorp Genetics (formerly Invitae), Labcorp
Classification: Uncertain significance. Last evaluated: 2024-03-07. Review status: criteria provided, single submitter. Criteria: Invitae Variant Classification Sherloc (09022015). Collection method: clinical testing. Allele origin: germline.
Comment: This sequence change replaces phenylalanine, which is neutral and non-polar, with leucine, which is neutral and non-polar, at codon 320 of the HK1 protein (p.Phe320Leu). This variant is not present in population databases (gnomAD no frequency). This variant has not been reported in the literature in individuals affected with HK1-related conditions. ClinVar contains an entry for this variant (Variation ID: 1511293). Advanced modeling of protein sequence and biophysical properties (such as structural, functional, and spatial information, amino acid conservation, physicochemical variation, residue mobility, and thermodynamic stability) has been performed at Invitae for this missense variant, however the output from this modeling did not meet the statistical confidence thresholds required to predict the impact of this variant on HK1 protein function. In summary, the available evidence is currently insufficient to determine the role of this variant in disease. Therefore, it has been classified as a Variant of Uncertain Significance.

NM_000188.3(HK1):c.958T>C (p.Phe320Leu)

Gene: HK1 (hexokinase 1; plus strand). Cytogenetic location: 10q22.1.
Variant type: single nucleotide variant.
Coding change: c.958T>C on transcript NM_000188.3 (MANE Select); coding-DNA position 958, T replaced by C.
Protein change: p.Phe320Leu; replaces phenylalanine 320 with leucine.
Molecular consequence: missense variant.
Genome position (GRCh38, 1-based): chr10:69,377,016, T>C. VCF-style: chr10-69377016-T-C. GRCh37 (hg19) VCF-style: chr10-71136772-T-C.
Other names: c.970T>C, p.Phe324Leu (NM_001322364.2, NM_001358263.1, NM_033497.3 and 1 more transcripts); c.1063T>C, p.Phe355Leu (NM_001322365.2); c.874T>C, p.Phe292Leu (NM_001322366.1); c.862T>C, p.Phe288Leu (NM_001322367.1); c.955T>C, p.Phe319Leu (NM_033496.3); c.922T>C, p.Phe308Leu (NM_033500.2); short protein forms F292L, F288L, F319L, F320L, F324L, F308L, F355L.
Identifiers: ClinVar variation 1511293 (VCV001511293.9), dbSNP rs141581723, ClinGen allele CA209243870.